The following is an entry in ClinVar:

NM_001167.4(XIAP):c.1315G>T (p.Glu439Ter)

Gene: XIAP (X-linked inhibitor of apoptosis; plus strand). Cytogenetic location: Xq25.
Variant type: single nucleotide variant.
Coding change: c.1315G>T on transcript NM_001167.4 (MANE Select); coding-DNA position 1315, G replaced by T.
Protein change: p.Glu439Ter; replaces glutamic acid 439 with a stop codon.
Molecular consequence: nonsense. On other transcripts: non-coding transcript variant (2).
Genome position (GRCh38, 1-based): chrX:123,907,002, G>T. VCF-style: chrX-123907002-G-T. GRCh37 (hg19) VCF-style: chrX-123040852-G-T.
Other names: c.1315G>T, p.Glu439Ter (NM_001204401.2, NM_001378590.1, NM_001378591.1 and 1 more transcripts); short protein forms E439*.
Identifiers: ClinVar variation 1418323 (VCV001418323.6), dbSNP rs2148112149, ClinGen allele CA414127901.

ClinVar aggregate classification (germline): Pathogenic (1 of 4 stars; one submission).

Conditions:
X-linked lymphoproliferative disease due to XIAP deficiency. Also called: XIAP DEFICIENCY; XIAP-Related Lymphoproliferative Disease, X-Linked. Identifiers: Orphanet 2442, Orphanet 538934, MedGen C1845076, MONDO:0010385, OMIM 300635.

Submission:

Labcorp Genetics (formerly Invitae), Labcorp
Classification: Pathogenic for X-linked lymphoproliferative disease due to XIAP deficiency. Last evaluated: 2022-01-16. Review status: criteria provided, single submitter. Criteria: Invitae Variant Classification Sherloc (09022015). Collection method: clinical testing. Allele origin: germline.
Comment: For these reasons, this variant has been classified as Pathogenic. This variant disrupts a region of the XIAP protein in which other variant(s) (p.Gln440*) have been determined to be pathogenic (PMID: 1543760, 23973892, 27815752). This suggests that this is a clinically significant region of the protein, and that variants that disrupt it are likely to be disease-causing. This variant has not been reported in the literature in individuals affected with XIAP-related conditions. This variant is not present in population databases (gnomAD no frequency). This sequence change creates a premature translational stop signal (p.Glu439*) in the XIAP gene. While this is not anticipated to result in nonsense mediated decay, it is expected to disrupt the last 59 amino acid(s) of the XIAP protein.

Literature cited by the submitters: PubMed 1543760; PubMed 23973892; PubMed 27815752.